The following is an entry in ClinVar:

NM_000111.3(SLC26A3):c.1362del (p.Gln454fs)

Gene: SLC26A3 (solute carrier family 26 member 3; minus strand). Cytogenetic location: 7q22.3.
Variant type: Deletion.
Coding change: c.1362del on transcript NM_000111.3 (MANE Select); coding-DNA position 1362, one base deleted (G; older notation c.1362delG).
Protein change: p.Gln454fs; shifts the reading frame from glutamine 454.
Molecular consequence: frameshift variant.
Genome position (GRCh38, 1-based): chr7:107,779,713, C deleted on the plus strand (G on the coding strand, the reverse complement: SLC26A3 is on the minus strand). VCF-style (leftmost placement, unchanged base first): chr7-107779712-AC-A. GRCh37 (hg19) VCF-style: chr7-107420157-AC-A.
Other names: c.1362delG (NM_000111.2); short protein forms Q454fs.
Identifiers: ClinVar variation 55970 (VCV000055970.2), dbSNP rs386833452, ClinGen allele CA144051.

ClinVar aggregate classification (germline): Likely pathogenic (0 of 4 stars; one submission).

Conditions:
Congenital secretory diarrhea, chloride type (DIAR1). Also called: DIARRHEA 1, SECRETORY CHLORIDE, CONGENITAL; CHLORIDORRHEA, CONGENITAL; CHLORIDE DIARRHEA, CONGENITAL, FINNISH TYPE. Identifiers: Orphanet 53689, MedGen C0267662, MONDO:0008964, OMIM 214700.

Submission:

Juha Muilu Group; Institute for Molecular Medicine Finland (FIMM)
Classification: Likely pathogenic for Congenital secretory diarrhea, chloride type. Review status: no assertion criteria provided. Collection method: not provided. Allele origin: unknown.
Comment: FinDis database variant: This variant was not found or characterized by our laboratory, data were collected from public sources: see reference
ClinVar note: Converted during submission from probable-pathogenic to Likely pathogenic.